The following is an entry in ClinVar:

NM_001009944.3(PKD1):c.8162-9T>C

Gene: PKD1 (polycystin 1, transient receptor potential channel interacting; minus strand). Cytogenetic location: 16p13.3.
Variant type: single nucleotide variant.
Coding change: c.8162-9T>C on transcript NM_001009944.3 (MANE Select); 9 bases into the intron before coding-DNA position 8162, T replaced by C.
Molecular consequence: intron variant.
Genome position (GRCh38, 1-based): chr16:2,103,904, A>G on the plus strand (T>C on the coding strand, the complement: PKD1 is on the minus strand). VCF-style: chr16-2103904-A-G. GRCh37 (hg19) VCF-style: chr16-2153905-A-G.
Other names: c.8162-9T>C (NM_000296.4).
Identifiers: ClinVar variation 4999189 (VCV004999189.1).

ClinVar aggregate classification (germline): Likely benign (1 of 4 stars; one submission).

Conditions:
PKD1-related disorder. Also called: PKD1-related condition.

Submission:

PreventionGenetics, part of Exact Sciences
Classification: Likely benign for PKD1-related condition. Last evaluated: 2025-07-09. Review status: criteria provided, single submitter. Criteria: ACMG Guidelines, 2015. Collection method: clinical testing. Allele origin: germline.
Comment: This variant is classified as likely benign based on ACMG/AMP sequence variant interpretation guidelines (Richards et al. 2015 PMID: 25741868, with internal and published modifications).